The following is an entry in ClinVar:

ClinVar aggregate classification (germline): Uncertain significance. Review status: criteria provided, multiple submitters, no conflicts (2 of 4 stars). 3 submissions from 3 submitters: Uncertain significance (3). Last evaluated 2025-04-17.

Conditions:
Hereditary cancer-predisposing syndrome. Also called: Tumor predisposition; Neoplastic Syndromes, Hereditary; Hereditary Cancer Syndrome; Hereditary neoplastic syndrome. Identifiers: Orphanet 140162, MedGen C0027672, MeSH D009386, MONDO:0015356.
Familial cancer of breast. Also called: Hereditary breast cancer; BREAST CANCER, FAMILIAL; hereditary breast carcinoma. Identifiers: Orphanet 227535, MedGen C0346153, MONDO:0016419, OMIM 114480. Disease mechanism: loss of function.
Ataxia-telangiectasia syndrome (AT). Also called: ATAXIA-TELANGIECTASIA, COMPLEMENTATION GROUP A; ATAXIA-TELANGIECTASIA, FRESNO VARIANT; Ataxia-telangiectasia; Ataxia-telangiectasia, complementation group D; AT, COMPLEMENTATION GROUP C; Ataxia-telangiectasia, complementation group E. Identifiers: Orphanet 100, MedGen C0004135, MONDO:0008840, OMIM 208900.

Allele frequency attached by ClinVar (database versions not stated): gnomAD exomes below 0.00001.
gnomAD v4.1: 1 of 1,614,234 alleles (0.000062%); highest among the groups gnomAD compares: Non-Finnish European, 0.000085%; no homozygotes.

Submissions (3):

Labcorp Genetics (formerly Invitae), Labcorp
Classification: Uncertain significance for Ataxia-telangiectasia syndrome. Last evaluated: 2025-04-17. Review status: criteria provided, single submitter. Criteria: Invitae Variant Classification Sherloc (09022015). Collection method: clinical testing. Allele origin: germline.
Comment: This sequence change replaces leucine, which is neutral and non-polar, with valine, which is neutral and non-polar, at codon 2984 of the ATM protein (p.Leu2984Val). This variant is not present in population databases (gnomAD no frequency). This variant has not been reported in the literature in individuals affected with ATM-related conditions. ClinVar contains an entry for this variant (Variation ID: 822831). Invitae Evidence Modeling of protein sequence and biophysical properties (such as structural, functional, and spatial information, amino acid conservation, physicochemical variation, residue mobility, and thermodynamic stability) indicates that this missense variant is not expected to disrupt ATM protein function with a negative predictive value of 95%. In summary, the available evidence is currently insufficient to determine the role of this variant in disease. Therefore, it has been classified as a Variant of Uncertain Significance.

Fulgent Genetics
Classification: Uncertain significance for Familial cancer of breast; Ataxia-telangiectasia syndrome. Last evaluated: 2021-07-26. Review status: criteria provided, single submitter. Criteria: ACMG Guidelines, 2015. Collection method: clinical testing. Allele origin: unknown.

Ambry Genetics
Classification: Uncertain significance for Hereditary cancer-predisposing syndrome. Last evaluated: 2019-04-16. Review status: criteria provided, single submitter. Criteria: Ambry Variant Classification Scheme 2023. Collection method: clinical testing. Allele origin: germline.
Comment: The p.L2984V variant (also known as c.8950C>G), located in coding exon 61 of the ATM gene, results from a C to G substitution at nucleotide position 8950. The leucine at codon 2984 is replaced by valine, an amino acid with highly similar properties. This amino acid position is poorly conserved in available vertebrate species. In addition, this alteration is predicted to be tolerated by in silico analysis. Since supporting evidence is limited at this time, the clinical significance of this alteration remains unclear.

NM_000051.4(ATM):c.8950C>G (p.Leu2984Val)

Genes: ATM (ATM serine/threonine kinase; plus strand), C11orf65 (chromosome 11 open reading frame 65; minus strand). Cytogenetic location: 11q22.3.
Variant type: single nucleotide variant.
Coding change: c.8950C>G on transcript NM_000051.4 (MANE Select); coding-DNA position 8950, C replaced by G.
Protein change: p.Leu2984Val; replaces leucine 2984 with valine.
Molecular consequence: missense variant. On other transcripts: intron variant (2).
Genome position (GRCh38, 1-based): chr11:108,365,181, C>G. VCF-style: chr11-108365181-C-G. GRCh37 (hg19) VCF-style: chr11-108235908-C-G.
Other names: c.8950C>G, p.Leu2984Val (NM_001351834.2); c.640+20739G>C (NM_001330368.2); c.694+20739G>C (NM_001351110.2); short protein forms L2984V.
Identifiers: ClinVar variation 822831 (VCV000822831.11), dbSNP rs747445236, ClinGen allele CA382530199.